The following is an entry in ClinVar:

ClinVar aggregate classification (germline): Uncertain significance. Review status: criteria provided, multiple submitters, no conflicts (2 of 4 stars). 3 submissions from 3 submitters: Uncertain significance (3). Last evaluated 2024-11-11.

Conditions:
Cardiovascular phenotype. Identifiers: MedGen CN230736.
Hypertrophic cardiomyopathy 20. Identifiers: MedGen C3151267, MONDO:0013477, OMIM 613876.
Dilated cardiomyopathy 1CC (CMD1CC). Identifiers: Orphanet 154, MedGen C2751084, MONDO:0013147, OMIM 613122.

Allele frequency attached by ClinVar (database versions not stated): gnomAD 0.00001.
gnomAD v4.1: 1 of 1,613,408 alleles (0.000062%); highest among the groups gnomAD compares: African/African-American, 0.0013%; no homozygotes.

Submissions (3):

Ambry Genetics
Classification: Uncertain significance for Cardiovascular phenotype. Last evaluated: 2024-11-11. Review status: criteria provided, single submitter. Criteria: Ambry Variant Classification Scheme 2023. Collection method: clinical testing. Allele origin: germline.
Comment: The p.Y22N variant (also known as c.64T>A), located in coding exon 2 of the NEXN gene, results from a T to A substitution at nucleotide position 64. The tyrosine at codon 22 is replaced by asparagine, an amino acid with dissimilar properties. This amino acid position is conserved. In addition, this alteration is predicted to be deleterious by in silico analysis. Based on the available evidence, the clinical significance of this variant remains unclear.

GeneDx
Classification: Uncertain significance. Last evaluated: 2024-08-01. Review status: criteria provided, single submitter. Criteria: GeneDx Variant Classification Process June 2021. Collection method: clinical testing. Allele origin: germline. Affected: yes.
Comment: Not observed at significant frequency in large population cohorts (gnomAD); In silico analysis indicates that this missense variant does not alter protein structure/function; Has not been previously published as pathogenic or benign to our knowledge

Labcorp Genetics (formerly Invitae), Labcorp
Classification: Uncertain significance for Dilated cardiomyopathy 1CC; Hypertrophic cardiomyopathy 20. Last evaluated: 2020-10-15. Review status: criteria provided, single submitter. Criteria: Invitae Variant Classification Sherloc (09022015). Collection method: clinical testing. Allele origin: germline.
Comment: This variant is not present in population databases (ExAC no frequency). This variant has not been reported in the literature in individuals with NEXN-related conditions. ClinVar contains an entry for this variant (Variation ID: 450164). Algorithms developed to predict the effect of missense changes on protein structure and function are either unavailable or do not agree on the potential impact of this missense change (SIFT: "Deleterious"; PolyPhen-2: "Probably Damaging"; Align-GVGD: "Class C0"). In summary, the available evidence is currently insufficient to determine the role of this variant in disease. Therefore, it has been classified as a Variant of Uncertain Significance. This sequence change replaces tyrosine with asparagine at codon 22 of the NEXN protein (p.Tyr22Asn). The tyrosine residue is moderately conserved and there is a large physicochemical difference between tyrosine and asparagine.

NM_144573.4(NEXN):c.64T>A (p.Tyr22Asn)

Gene: NEXN (nexilin F-actin binding protein; plus strand). Cytogenetic location: 1p31.1.
Variant type: single nucleotide variant.
Coding change: c.64T>A on transcript NM_144573.4 (MANE Select); coding-DNA position 64, T replaced by A.
Protein change: p.Tyr22Asn; replaces tyrosine 22 with asparagine.
Molecular consequence: missense variant. On other transcripts: intron variant (1).
Genome position (GRCh38, 1-based): chr1:77,917,602, T>A. VCF-style: chr1-77917602-T-A. GRCh37 (hg19) VCF-style: chr1-78383287-T-A.
Other names: c.28-358T>A (NM_001172309.2); short protein forms Y22N.
Identifiers: ClinVar variation 450164 (VCV000450164.13), dbSNP rs1553236590, ClinGen allele CA340885084.